The following is an entry in ClinVar:

ClinVar aggregate classification (germline): Uncertain significance (1 of 4 stars; one submission).

Conditions:
HNF1B-related disorder. Also called: HNF1B-related condition; HNF1B-related disorders.

Submission:

PreventionGenetics, part of Exact Sciences
Classification: Uncertain significance for HNF1B-related condition. Last evaluated: 2026-05-13. Review status: criteria provided, single submitter. Criteria: ACMG Guidelines, 2015. Collection method: clinical testing. Allele origin: germline.
Comment: The HNF1B c.585C>A variant is predicted to result in the amino acid substitution p.Asp195Glu. To our knowledge, this variant has not been reported in the literature. This variant is reported in 0.00088% of alleles in individuals of European (Non-Finnish) descent in gnomAD. At this time, the clinical significance of this variant is uncertain due to the absence of conclusive functional and genetic evidence.

NM_000458.4(HNF1B):c.585C>A (p.Asp195Glu)

Genes: HNF1B (HNF1 homeobox B; minus strand), LOC126862549 (BRD4-independent group 4 enhancer GRCh37_chr17:36093401-36094600; plus strand). Cytogenetic location: 17q12.
Variant type: single nucleotide variant.
Coding change: c.585C>A on transcript NM_000458.4 (MANE Select); coding-DNA position 585, C replaced by A.
Protein change: p.Asp195Glu; replaces aspartic acid 195 with glutamic acid.
Molecular consequence: missense variant. On other transcripts: intron variant (2).
Genome position (GRCh38, 1-based): chr17:37,733,781, G>T on the plus strand (C>A on the coding strand, the complement: HNF1B is on the minus strand). VCF-style: chr17-37733781-G-T. GRCh37 (hg19) VCF-style: chr17-36093774-G-T.
Other names: c.585C>A, p.Asp195Glu (NM_001411100.1); c.545-38C>A (NM_001304286.2, NM_001165923.4); short protein forms D195E.
Identifiers: ClinVar variation 4994322 (VCV004994322.1).